The following is an entry in ClinVar:

NM_017617.5(NOTCH1):c.3172-71A>G

Gene: NOTCH1 (notch receptor 1; minus strand). Cytogenetic location: 9q34.3.
Variant type: single nucleotide variant.
Coding change: c.3172-71A>G on transcript NM_017617.5 (MANE Select); 71 bases into the intron before coding-DNA position 3172, A replaced by G.
Molecular consequence: intron variant.
Genome position (GRCh38, 1-based): chr9:136,508,456, T>C on the plus strand (A>G on the coding strand, the complement: NOTCH1 is on the minus strand). VCF-style: chr9-136508456-T-C. GRCh37 (hg19) VCF-style: chr9-139402908-T-C.
Identifiers: ClinVar variation 678557 (VCV000678557.2), dbSNP rs3812603, ClinGen allele CA13041481.

ClinVar aggregate classification (germline): Benign. Review status: criteria provided, multiple submitters, no conflicts (2 of 4 stars). 2 submissions from 2 submitters: Benign (2). Last evaluated 2018-06-14.

Allele frequency attached by ClinVar (database versions not stated): gnomAD exomes 0.56840; gnomAD 0.66188; TOPMed 0.68269; 1000 Genomes Project 0.76138; 1000 Genomes Project 30x 0.76296.
gnomAD v4.1: 927,984 of 1,604,084 alleles (58%); highest among the groups gnomAD compares: African/African-American, 89%; 276,161 homozygotes.

Submissions (2):

GeneDx
Classification: Benign. Last evaluated: 2018-06-14. Review status: criteria provided, single submitter. Criteria: GeneDx Variant Classification (06012015). Collection method: clinical testing. Allele origin: germline. Affected: yes.
Comment: This variant is considered likely benign or benign based on one or more of the following criteria: it is a conservative change, it occurs at a poorly conserved position in the protein, it is predicted to be benign by multiple in silico algorithms, and/or has population frequency not consistent with disease.

Breakthrough Genomics
Classification: Benign. Review status: criteria provided, single submitter. Criteria: ACMG Guidelines, 2015. Collection method: not provided. Allele origin: germline. Inheritance: Autosomal dominant inheritance. Affected: yes.